The following is an entry in ClinVar:

ClinVar aggregate classification (germline): Likely pathogenic (1 of 4 stars; one submission).

Conditions:
Loeys-Dietz syndrome 4 (LDS4). Also called: TGFB2-Related Loeys-Dietz Syndrome; ANEURYSM, AORTIC AND CEREBRAL, WITH ARTERIAL TORTUOSITY AND SKELETAL MANIFESTATIONS. Identifiers: MedGen C3553762, MONDO:0013897, OMIM 614816.

Submission:

Labcorp Genetics (formerly Invitae), Labcorp
Classification: Likely pathogenic for Loeys-Dietz syndrome 4. Last evaluated: 2020-04-19. Review status: criteria provided, single submitter. Criteria: Invitae Variant Classification Sherloc (09022015). Collection method: clinical testing. Allele origin: germline.
Comment: In summary, the currently available evidence indicates that the variant is pathogenic, but additional data are needed to prove that conclusively. Therefore, this variant has been classified as Likely Pathogenic. This variant disrupts the p.Arg299Trp amino acid residue in TGFB2. Other variant(s) that disrupt this residue have been determined to be pathogenic (PMID: 22772368, 23102774, 26854089). This suggests that this residue is clinically significant, and that variants that disrupt this residue are likely to be disease-causing. This variant has not been reported in the literature in individuals with TGFB2-related conditions. This variant is a sub-genic deletion of the genomic region encompassing exons 5-6 of the TGFB2 gene. While this deletion is not anticipated to result in nonsense mediated decay, it is expected to create a truncated protein product.

Literature cited by the submitters: PubMed 22772368; PubMed 23102774; PubMed 26854089.

NC_000001.11:g.(?_218435960)_(218437506_?)del

Gene: TGFB2 (transforming growth factor beta 2; plus strand). Cytogenetic location: 1q41.
Variant type: Deletion.
Identifiers: ClinVar variation 830926 (VCV000830926.47).